The following is an entry in ClinVar:

NM_203475.3(PORCN):c.-37-10_-36del

Gene: PORCN (porcupine O-acyltransferase; plus strand). Cytogenetic location: Xp11.23.
Variant type: Deletion.
Coding change: c.-37-10_-36del on transcript NM_203475.3 (MANE Select); 10 bases into the intron before 37 bases upstream of the start codon through 36 bases upstream of the start codon, 12 bases deleted (GCTTTGACAGAT).
Molecular consequence: splice acceptor variant. On other transcripts: 5 prime UTR variant (1).
Genome position (GRCh38, 1-based): chrX:48,509,774-48,509,785, GCTTTGACAGAT deleted; deleting any 12 consecutive bases within chrX:48,509,773-48,509,785 gives the same sequence; the c. name uses the placement nearest the transcript's 3' end. VCF-style (leftmost placement, unchanged base first): chrX-48509772-CTGCTTTGACAGA-C. GRCh37 (hg19) VCF-style: chrX-48368160-CTGCTTTGACAGA-C.
Other names: c.-189_-178del (NM_001282167.2); c.-37-10_-36del (NM_203473.3, NM_022825.4).
Identifiers: ClinVar variation 3383564 (VCV003383564.1).

ClinVar aggregate classification (germline): Likely pathogenic (1 of 4 stars; one submission).

Submission:

GeneDx
Classification: Likely pathogenic. Last evaluated: 2024-05-24. Review status: criteria provided, single submitter. Criteria: GeneDx Variant Classification Process June 2021. Collection method: clinical testing. Allele origin: germline. Affected: yes.
Comment: Canonical splice site variant predicted to result in a null allele in a gene for which loss of function is a known mechanism of disease; Not observed at significant frequency in large population cohorts (gnomAD); Has not been previously published as pathogenic or benign to our knowledge